The following is an entry in ClinVar:

ClinVar aggregate classification (germline): Pathogenic (1 of 4 stars; one submission).

Conditions:
Thrombophilia due to protein S deficiency, autosomal recessive (THPH6). Identifiers: Orphanet 743, MedGen C3281092, MONDO:0013791, OMIM 614514. Disease mechanism: loss of function.

Submission:

Labcorp Genetics (formerly Invitae), Labcorp
Classification: Pathogenic for Thrombophilia due to protein S deficiency, autosomal recessive. Last evaluated: 2023-11-07. Review status: criteria provided, single submitter. Criteria: Invitae Variant Classification Sherloc (09022015). Collection method: clinical testing. Allele origin: germline.
Comment: This sequence change affects the initiator methionine of the PROS1 mRNA. The next in-frame methionine is located at codon 132. This variant is not present in population databases (gnomAD no frequency). Disruption of the initiator codon has been observed in individuals with protein S deficiency (Invitae). This variant disrupts a region of the PROS1 protein in which other variant(s) (p.Glu67Ala) have been determined to be pathogenic (PMID: 7803790, 15712227, 17157360, 27748013, 30669159). This suggests that this is a clinically significant region of the protein, and that variants that disrupt it are likely to be disease-causing. For these reasons, this variant has been classified as Pathogenic.

Literature cited by the submitters: PubMed 7803790; PubMed 15712227; PubMed 17157360; PubMed 27748013; PubMed 30669159.

NM_000313.4(PROS1):c.1A>G (p.Met1Val)

Gene: PROS1 (protein S; minus strand). Cytogenetic location: 3q11.1.
Variant type: single nucleotide variant.
Coding change: c.1A>G on transcript NM_000313.4 (MANE Select); coding-DNA position 1, A replaced by G.
Protein change: p.Met1Val; changes the start codon (methionine 1).
Molecular consequence: missense variant, initiator codon variant.
Genome position (GRCh38, 1-based): chr3:93,973,749, T>C on the plus strand (A>G on the coding strand, the complement: PROS1 is on the minus strand). VCF-style: chr3-93973749-T-C. GRCh37 (hg19) VCF-style: chr3-93692593-T-C.
Other names: c.1A>G, p.Met1Val (NM_001314077.2); short protein forms M1V.
Identifiers: ClinVar variation 2694232 (VCV002694232.3), dbSNP rs2107279275, ClinGen allele CA353674392.